The following is an entry in ClinVar:

ClinVar aggregate classification (germline): Conflicting classifications of pathogenicity. Review status: criteria provided, conflicting classifications (1 of 4 stars). 4 submissions from 4 submitters: Uncertain significance (3); Benign (1). Last evaluated 2025-01-18.

Conditions:
Primary ciliary dyskinesia. Also called: Ciliary dyskinesia. Identifiers: Orphanet 244, MedGen C0008780, MONDO:0016575, HP:0012265.

Allele frequency attached by ClinVar (database versions not stated): gnomAD exomes 0.00002; ExAC 0.00004; TOPMed 0.00009; gnomAD 0.00012 and 0.00014; ESP Exome Variant Server 0.00016.
gnomAD v4.1: 27 of 1,613,644 alleles (0.0017%); highest among the groups gnomAD compares: African/African-American, 0.035%; no homozygotes.

Submissions (4):

Mayo Clinic Laboratories, Mayo Clinic
Classification: Uncertain significance. Last evaluated: 2025-01-18. Review status: criteria provided, single submitter. Criteria: ACMG Guidelines, 2015. Collection method: clinical testing. Allele origin: germline. Observed: 1 variant allele.
Comment: BP4

Ambry Genetics
Classification: Uncertain significance for Primary ciliary dyskinesia. Last evaluated: 2024-11-19. Review status: criteria provided, single submitter. Criteria: Ambry Variant Classification Scheme 2023. Collection method: clinical testing. Allele origin: germline.

GeneDx
Classification: Uncertain significance. Last evaluated: 2024-09-07. Review status: criteria provided, single submitter. Criteria: GeneDx Variant Classification Process June 2021. Collection method: clinical testing. Allele origin: germline. Affected: yes.
Comment: In silico analysis supports that this missense variant has a deleterious effect on protein structure/function; Has not been previously published as pathogenic or benign to our knowledge

Labcorp Genetics (formerly Invitae), Labcorp
Classification: Benign for Primary ciliary dyskinesia. Last evaluated: 2024-07-23. Review status: criteria provided, single submitter. Criteria: Invitae Variant Classification Sherloc (09022015). Collection method: clinical testing. Allele origin: germline.

NM_001277115.2(DNAH11):c.3109C>G (p.His1037Asp)

Genes: DNAH11 (dynein axonemal heavy chain 11; plus strand), LOC126859961 (BRD4-independent group 4 enhancer GRCh37_chr7:21639662-21640861; plus strand). Cytogenetic location: 7p15.3.
Variant type: single nucleotide variant.
Coding change: c.3109C>G on transcript NM_001277115.2 (MANE Select); coding-DNA position 3109, C replaced by G.
Protein change: p.His1037Asp; replaces histidine 1037 with aspartic acid.
Molecular consequence: missense variant.
Genome position (GRCh38, 1-based): chr7:21,600,784, C>G. VCF-style: chr7-21600784-C-G. GRCh37 (hg19) VCF-style: chr7-21640402-C-G.
Other names: p.His1037Asp; short protein forms H1037D.
Identifiers: ClinVar variation 651319 (VCV000651319.14), dbSNP rs370878348, ClinGen allele CA4179532.
Genomic context (GRCh38, chr7:21,600,784, plus strand): 5'-ATGAACAGAGTGGTGAATGTCATCAACAAAGTCTTAGATTTCAGAAACACCCTGGAGACC[C>G]ACACTTACCTCTGGGTGGATGATCGAGCTGAGTTTATGAAGCATTTTCTCTTGTATGGCC-3'
Protein context (NP_001264044.1, residues 1027-1047): VLDFRNTLET[His1037Asp]TYLWVDDRAE